The following is an entry in ClinVar:

ClinVar aggregate classification (germline): Uncertain significance (1 of 4 stars; one submission).

Conditions:
Hyperkalemic periodic paralysis. Also called: Familial hyperkalemic periodic paralysis; Gamstorp disease. Identifiers: Orphanet 682, MedGen C0238357, MONDO:0008224, OMIM 170500, HP:0007215.

Submission:

Labcorp Genetics (formerly Invitae), Labcorp
Classification: Uncertain significance for Hyperkalemic periodic paralysis. Last evaluated: 2021-11-09. Review status: criteria provided, single submitter. Criteria: Invitae Variant Classification Sherloc (09022015). Collection method: clinical testing. Allele origin: germline.
Comment: This sequence change replaces isoleucine, which is neutral and non-polar, with methionine, which is neutral and non-polar, at codon 1053 of the SCN4A protein (p.Ile1053Met). This variant is not present in population databases (gnomAD no frequency). This variant has not been reported in the literature in individuals affected with SCN4A-related conditions. Algorithms developed to predict the effect of missense changes on protein structure and function are either unavailable or do not agree on the potential impact of this missense change (SIFT: "Deleterious"; PolyPhen-2: "Possibly Damaging"; Align-GVGD: "Class C0"). In summary, the available evidence is currently insufficient to determine the role of this variant in disease. Therefore, it has been classified as a Variant of Uncertain Significance.

NM_000334.4(SCN4A):c.3159C>G (p.Ile1053Met)

Genes: GH-LCR (growth hormone locus control region; plus strand), SCN4A (sodium voltage-gated channel alpha subunit 4; minus strand). Cytogenetic location: 17q23.3.
Variant type: single nucleotide variant.
Coding change: c.3159C>G on transcript NM_000334.4 (MANE Select); coding-DNA position 3159, C replaced by G.
Protein change: p.Ile1053Met; replaces isoleucine 1053 with methionine.
Molecular consequence: missense variant.
Genome position (GRCh38, 1-based): chr17:63,948,049, G>C on the plus strand (C>G on the coding strand, the complement: SCN4A is on the minus strand). VCF-style: chr17-63948049-G-C. GRCh37 (hg19) VCF-style: chr17-62025409-G-C.
Other names: short protein forms I1053M.
Identifiers: ClinVar variation 1487839 (VCV001487839.6), dbSNP rs1302161849, ClinGen allele CA400621405.
Genomic context (GRCh38, chr17:63,948,049, plus strand): 5'-GGTGAAGACCTTGTCGGCATATTCTAGGATGGTGCGAATGACTCGCCGCTGCTCAATGTA[G>C]ATGTCCTCGAAGGCCTGGGGGCACCAGCACCACCAGGGTGGCTGGGGTCCAGCAGGCTGG-3'
Protein context (NP_000325.4, residues 1043-1063): LSSGALAFED[Ile1053Met]YIEQRRVIRT